The following is an entry in ClinVar:

ClinVar aggregate classification (germline): Uncertain significance (1 of 4 stars; one submission).

Submission:

GeneDx
Classification: Uncertain significance. Last evaluated: 2022-09-16. Review status: criteria provided, single submitter. Criteria: GeneDx Variant Classification Process June 2021. Collection method: clinical testing. Allele origin: germline. Affected: yes.
Comment: Not observed at significant frequency in large population cohorts (gnomAD); In silico analysis supports that this missense variant does not alter protein structure/function; Has not been previously published as pathogenic or benign to our knowledge

NM_194454.3(KRIT1):c.2068T>A (p.Leu690Met)

Gene: KRIT1 (KRIT1 ankyrin repeat containing; minus strand). Cytogenetic location: 7q21.2.
Variant type: single nucleotide variant.
Coding change: c.2068T>A on transcript NM_194454.3 (MANE Select); coding-DNA position 2068, T replaced by A.
Protein change: p.Leu690Met; replaces leucine 690 with methionine.
Molecular consequence: missense variant.
Genome position (GRCh38, 1-based): chr7:92,201,381, A>T on the plus strand (T>A on the coding strand, the complement: KRIT1 is on the minus strand). VCF-style: chr7-92201381-A-T. GRCh37 (hg19) VCF-style: chr7-91830695-A-T.
Other names: c.1924T>A, p.Leu642Met (NM_001013406.2, NM_001350669.1, NM_001350670.1); c.1354T>A, p.Leu452Met (NM_001350671.1); c.2068T>A, p.Leu690Met (NM_001350672.1, NM_001350673.1, NM_001350674.1 and 26 more transcripts); short protein forms L452M, L642M, L690M.
Identifiers: ClinVar variation 2444729 (VCV002444729.1), dbSNP rs370766145, ClinGen allele CA368166855.